The following is an entry in ClinVar:

NM_002528.7(NTHL1):c.212C>T (p.Ala71Val)

Gene: NTHL1 (nth like DNA glycosylase 1; minus strand). Cytogenetic location: 16p13.3.
Variant type: single nucleotide variant.
Coding change: c.212C>T on transcript NM_002528.7 (MANE Select); coding-DNA position 212, C replaced by T.
Protein change: p.Ala71Val; replaces alanine 71 with valine.
Molecular consequence: missense variant. On other transcripts: intron variant (1).
Genome position (GRCh38, 1-based): chr16:2,046,270, G>A on the plus strand (C>T on the coding strand, the complement: NTHL1 is on the minus strand). VCF-style: chr16-2046270-G-A. GRCh37 (hg19) VCF-style: chr16-2096271-G-A.
Other names: c.212C>T, p.Ala71Val (NM_001318193.2); c.24+10C>T (NM_001318194.2); short protein forms A71V.
Identifiers: ClinVar variation 3658064 (VCV003658064.2).

ClinVar aggregate classification (germline): Uncertain significance (1 of 4 stars; one submission).

Submission:

Labcorp Genetics (formerly Invitae), Labcorp
Classification: Uncertain significance. Last evaluated: 2024-06-28. Review status: criteria provided, single submitter. Criteria: Invitae Variant Classification Sherloc (09022015). Collection method: clinical testing. Allele origin: germline.
Comment: This sequence change replaces alanine, which is neutral and non-polar, with valine, which is neutral and non-polar, at codon 79 of the NTHL1 protein (p.Ala79Val). This variant is not present in population databases (gnomAD no frequency). This variant has not been reported in the literature in individuals affected with NTHL1-related conditions. Algorithms developed to predict the effect of missense changes on protein structure and function output the following: SIFT: "Not Available"; PolyPhen-2: "Benign"; Align-GVGD: "Not Available". The valine amino acid residue is found in multiple mammalian species, which suggests that this missense change does not adversely affect protein function. In summary, the available evidence is currently insufficient to determine the role of this variant in disease. Therefore, it has been classified as a Variant of Uncertain Significance.